The following is an entry in ClinVar:

NM_006270.5(RRAS):c.59G>A (p.Gly20Glu)

Gene: RRAS (RAS related; minus strand). Cytogenetic location: 19q13.33.
Variant type: single nucleotide variant.
Coding change: c.59G>A on transcript NM_006270.5 (MANE Select); coding-DNA position 59, G replaced by A.
Protein change: p.Gly20Glu; replaces glycine 20 with glutamic acid.
Molecular consequence: missense variant.
Genome position (GRCh38, 1-based): chr19:49,640,040, C>T on the plus strand (G>A on the coding strand, the complement: RRAS is on the minus strand). VCF-style: chr19-49640040-C-T. GRCh37 (hg19) VCF-style: chr19-50143297-C-T.
Other names: short protein forms G20E.
Identifiers: ClinVar variation 5028438 (VCV005028438.1).

ClinVar aggregate classification (germline): Uncertain significance (1 of 4 stars; one submission).

gnomAD v4.1: 3 of 1,522,996 alleles (0.0002%); highest among the groups gnomAD compares: Admixed American, 0.0041%; no homozygotes.

Submission:

Ambry Genetics
Classification: Uncertain significance. Last evaluated: 2026-07-31. Review status: criteria provided, single submitter. Criteria: Ambry Variant Classification Scheme 2023. Collection method: clinical testing. Allele origin: germline.
Comment: The p.G20E variant (also known as c.59G>A), located in coding exon 1 of the RRAS gene, results from a G to A substitution at nucleotide position 59. The glycine at codon 20 is replaced by glutamic acid, an amino acid with similar properties. This amino acid position is conserved. In addition, this alteration is predicted to be tolerated by in silico analysis. Based on the available evidence, the clinical significance of this variant remains unclear.